The following is an entry in ClinVar:

NM_001378454.1(ALMS1):c.601C>G (p.Gln201Glu)

Gene: ALMS1 (ALMS1 centrosome and basal body associated protein; plus strand). Cytogenetic location: 2p13.1.
Variant type: single nucleotide variant.
Coding change: c.601C>G on transcript NM_001378454.1 (MANE Select); coding-DNA position 601, C replaced by G.
Protein change: p.Gln201Glu; replaces glutamine 201 with glutamic acid.
Molecular consequence: missense variant.
Genome position (GRCh38, 1-based): chr2:73,419,273, C>G. VCF-style: chr2-73419273-C-G. GRCh37 (hg19) VCF-style: chr2-73646401-C-G.
Other names: c.604C>G, p.Gln202Glu (NM_015120.4); short protein forms Q202E, Q201E.
Identifiers: ClinVar variation 551044 (VCV000551044.18), dbSNP rs376989302, ClinGen allele CA1712895.

ClinVar aggregate classification (germline): Conflicting classifications of pathogenicity. Review status: criteria provided, conflicting classifications (1 of 4 stars). 11 submissions from 11 submitters: Uncertain significance (4); Likely benign (3). 4 of the submissions do not count toward it. Last evaluated 2026-04-17.

Conditions:
Cardiovascular phenotype. Identifiers: MedGen CN230736.
Monogenic diabetes. Identifiers: Orphanet 183625, MedGen C3888631, MONDO:0015967.
Alstrom syndrome (ALMS). Identifiers: Orphanet 64, MedGen C0268425, MONDO:0008763, OMIM 203800.

Allele frequency attached by ClinVar (database versions not stated): ExAC 0.00004; gnomAD 0.00013; gnomAD exomes 0.00021; ESP Exome Variant Server 0.00034; TOPMed 0.00037.
gnomAD v4.1: 235 of 1,614,022 alleles (0.015%); highest among the groups gnomAD compares: Admixed American, 0.18%; 1 homozygote.

Submissions (11):

Women's Health and Genetics/Laboratory Corporation of America, LabCorp
Classification: Uncertain significance. Last evaluated: 2026-04-17. Review status: criteria provided, single submitter. Criteria: LabCorp Variant Classification Summary - May 2015. Collection method: clinical testing. Allele origin: germline.
Comment: Variant summary: ALMS1 c.601C>G (p.Gln201Glu) results in a conservative amino acid change in the encoded protein sequence. Algorithms developed to predict the effect of missense changes on protein structure and function all suggest that this variant is likely to be tolerated. The variant allele was found at a frequency of 0.00021 in 249042 control chromosomes. This frequency is not significantly higher than estimated for disease-causing variants in ALMS1, allowing no conclusion about variant significance. To our knowledge, no occurrence of c.601C>G in individuals affected with ALMS1-related conditions and no experimental evidence demonstrating its impact on protein function have been reported. ClinVar contains an entry for this variant (Variation ID: 551044). Based on the evidence outlined above, the variant was classified as uncertain significance.

GeneDx
Classification: Uncertain significance. Last evaluated: 2025-08-28. Review status: criteria provided, single submitter. Criteria: GeneDx Variant Classification Process June 2021. Collection method: clinical testing. Allele origin: germline.
Comment: In silico analysis suggests that this missense variant does not alter protein structure/function; Has not been previously published as pathogenic or benign to our knowledge

Blueprint Genetics
Classification: Likely benign. Last evaluated: 2024-10-23. Review status: criteria provided, single submitter. Criteria: ACMG Guidelines, 2015. Collection method: clinical testing. Allele origin: germline.

Labcorp Genetics (formerly Invitae), Labcorp
Classification: Uncertain significance for Alstrom syndrome. Last evaluated: 2022-10-25. Review status: criteria provided, single submitter. Criteria: Invitae Variant Classification Sherloc (09022015). Collection method: clinical testing. Allele origin: germline.
Comment: This sequence change replaces glutamine, which is neutral and polar, with glutamic acid, which is acidic and polar, at codon 202 of the ALMS1 protein (p.Gln202Glu). This variant is present in population databases (rs376989302, gnomAD 0.1%). This variant has not been reported in the literature in individuals affected with ALMS1-related conditions. ClinVar contains an entry for this variant (Variation ID: 551044). Experimental studies and prediction algorithms are not available or were not evaluated, and the functional significance of this variant is currently unknown. In summary, the available evidence is currently insufficient to determine the role of this variant in disease. Therefore, it has been classified as a Variant of Uncertain Significance.

Ambry Genetics
Classification: Likely benign for Cardiovascular phenotype. Last evaluated: 2022-10-14. Review status: criteria provided, single submitter. Criteria: Ambry Variant Classification Scheme 2023. Collection method: clinical testing. Allele origin: germline.

Personalized Diabetes Medicine Program, University of Maryland School of Medicine
Classification: Likely benign for Monogenic diabetes. Last evaluated: 2017-05-19. Review status: criteria provided, single submitter. Criteria: ACMG Guidelines, 2015. Collection method: research. Allele origin: unknown. Observed: 1 variant allele, 1 heterozygote.
Comment: ACMG criteria: BP4 (8 predictors), BP1 (missense in gene with truncating known) = likely benign

Clinical Genomics, Uppaluri K&H Personalized Medicine Clinic
Classification: Uncertain significance for Alstrom syndrome. Review status: criteria provided, single submitter. Criteria: K & H Uppaluri Personalized Medicine Clinic Variant Classification & Assertion Criteria_Updated V.1. Collection method: research. Allele origin: unknown. Inheritance: Autosomal recessive inheritance.
Comment: Potent mutations in ALMS1 are associated with a rare condition called Alstrom syndrome. It can cause excessive eating, insulin resistance. However, no evidence is found to ascertain the role of rs376989302 in Alstrom syndrome yet.

Natera, Inc.
Classification: Uncertain significance for Alstrom syndrome. Last evaluated: 2020-09-16. Review status: no assertion criteria provided. Collection method: clinical testing. Allele origin: germline. Not counted in ClinVar's aggregate classification.

Counsyl
Classification: Uncertain significance for Alstrom syndrome. Last evaluated: 2017-03-23. Review status: no assertion criteria provided. Collection method: clinical testing. Allele origin: unknown. Not counted in ClinVar's aggregate classification.

Clinical Genetics, Academic Medical Center
Classification: Likely benign. Review status: no assertion criteria provided. Collection method: clinical testing. Allele origin: germline. Affected: yes. Study: VKGL Data-share Consensus. Not counted in ClinVar's aggregate classification.

Laboratory of Diagnostic Genome Analysis, Leiden University Medical Center (LUMC)
Classification: Likely benign. Review status: no assertion criteria provided. Collection method: clinical testing. Allele origin: germline. Affected: yes. Study: VKGL Data-share Consensus. Not counted in ClinVar's aggregate classification.

Literature cited by the submitters: PubMed 25846608 (cited by Ambry Genetics and Clinical Genomics, Uppaluri K&H Personalized Medicine Clinic); PubMed 34148947 (cited by Clinical Genomics, Uppaluri K&H Personalized Medicine Clinic); PubMed 30421101 (cited by Clinical Genomics, Uppaluri K&H Personalized Medicine Clinic); PubMed 33669459 (cited by Clinical Genomics, Uppaluri K&H Personalized Medicine Clinic).